The following is an entry in ClinVar:

NM_152383.5(DIS3L2):c.2221G>A (p.Asp741Asn)

Gene: DIS3L2 (DIS3 like 3'-5' exoribonuclease 2; plus strand). Cytogenetic location: 2q37.1.
Variant type: single nucleotide variant.
Coding change: c.2221G>A on transcript NM_152383.5 (MANE Select); coding-DNA position 2221, G replaced by A.
Protein change: p.Asp741Asn; replaces aspartic acid 741 with asparagine.
Molecular consequence: missense variant. On other transcripts: non-coding transcript variant (2), intron variant (1).
Genome position (GRCh38, 1-based): chr2:232,334,431, G>A. VCF-style: chr2-232334431-G-A. GRCh37 (hg19) VCF-style: chr2-233199141-G-A.
Other names: c.1582-8914G>A (NM_001257281.2); c.2221G>A (NM_152383.4); short protein forms D741N.
Identifiers: ClinVar variation 1056199 (VCV001056199.8), dbSNP rs768385941, ClinGen allele CA2164453.

ClinVar aggregate classification (germline): Uncertain significance. Review status: criteria provided, multiple submitters, no conflicts (2 of 4 stars). 2 submissions from 2 submitters: Uncertain significance (2). Last evaluated 2024-07-29.

Conditions:
Inborn genetic diseases. Identifiers: MedGen C0950123, MeSH D030342.
Perlman syndrome (PRLMNS). Identifiers: Orphanet 2849, MedGen C0796113, MONDO:0009965, OMIM 267000.

gnomAD v4.1: 18 of 1,613,772 alleles (0.0011%); highest among the groups gnomAD compares: East Asian, 0.0045%; no homozygotes.

Submissions (2):

Labcorp Genetics (formerly Invitae), Labcorp
Classification: Uncertain significance for Perlman syndrome. Last evaluated: 2024-07-29. Review status: criteria provided, single submitter. Criteria: Invitae Variant Classification Sherloc (09022015). Collection method: clinical testing. Allele origin: germline.
Comment: This sequence change replaces aspartic acid, which is acidic and polar, with asparagine, which is neutral and polar, at codon 741 of the DIS3L2 protein (p.Asp741Asn). This variant is present in population databases (rs768385941, gnomAD 0.003%). This variant has not been reported in the literature in individuals affected with DIS3L2-related conditions. ClinVar contains an entry for this variant (Variation ID: 1056199). Advanced modeling of protein sequence and biophysical properties (such as structural, functional, and spatial information, amino acid conservation, physicochemical variation, residue mobility, and thermodynamic stability) performed at Invitae indicates that this missense variant is not expected to disrupt DIS3L2 protein function with a negative predictive value of 80%. In summary, the available evidence is currently insufficient to determine the role of this variant in disease. Therefore, it has been classified as a Variant of Uncertain Significance.

Ambry Genetics
Classification: Uncertain significance for Inborn genetic diseases. Last evaluated: 2024-03-01. Review status: criteria provided, single submitter. Criteria: Ambry Variant Classification Scheme 2023. Collection method: clinical testing. Allele origin: germline.